The following is an entry in ClinVar:

ClinVar aggregate classification (germline): Likely benign. Review status: criteria provided, multiple submitters, no conflicts (2 of 4 stars). 4 submissions from 4 submitters: Likely benign (4). Last evaluated 2026-05-01.

Conditions:
RYR1-related disorder. Also called: RYR1-related disorders; RYR1-related condition. Identifiers: MedGen CN239331.
Malignant hyperthermia, susceptibility to, 1 (MHS1). Also called: Anesthesia related hyperthermia; Malignant hyperpyrexia; Fulminating hyperpyrexia; Pharmacogenic myopathy; RYR1-Related Malignant Hyperthermia Susceptibility; Malignant hyperthermia suceptibility 1. Identifiers: Orphanet 423, MedGen C2930980, MONDO:0007783, OMIM 145600.

Allele frequency attached by ClinVar (database versions not stated): gnomAD exomes 0.00006 and 0.00026; ESP Exome Variant Server 0.00008; ExAC 0.00014; TOPMed 0.00018.
gnomAD v4.1: 89 of 1,614,056 alleles (0.0055%); highest among the groups gnomAD compares: Admixed American, 0.14%; 1 homozygote.

Submissions (4):

CeGaT Center for Human Genetics Tuebingen
Classification: Likely benign. Last evaluated: 2026-05-01. Review status: criteria provided, single submitter. Criteria: CeGaT Center For Human Genetics Tuebingen Variant Classification Criteria Version 2. Collection method: clinical testing. Allele origin: germline. Affected: yes. Observed: 2 variant alleles.
Comment: RYR1: BP4, BP7

Labcorp Genetics (formerly Invitae), Labcorp
Classification: Likely benign for RYR1-related disorder. Last evaluated: 2025-10-12. Review status: criteria provided, single submitter. Criteria: Invitae Variant Classification Sherloc (09022015). Collection method: clinical testing. Allele origin: germline.

All of Us Research Program, National Institutes of Health
Classification: Likely benign for Malignant hyperthermia, susceptibility to, 1. Last evaluated: 2023-10-23. Review status: criteria provided, single submitter. Criteria: ACMG Guidelines, 2015. Collection method: clinical testing. Allele origin: germline. Inheritance: Autosomal dominant inheritance. Observed: 9 variant alleles, 9 heterozygotes.
Comment: This study involves interpretation of variants in research participants for the purpose of population health screening. Participant phenotype was not available at the time of variant classification. Additional details can be found in publication PMID: 35346344, PMCID: PMC8962531

Color Diagnostics, LLC DBA Color Health
Classification: Likely benign for Malignant hyperthermia, susceptibility to, 1. Last evaluated: 2022-11-06. Review status: criteria provided, single submitter. Criteria: ACMG Guidelines, 2015. Collection method: clinical testing. Allele origin: germline.

NM_000540.3(RYR1):c.14469G>A (p.Thr4823=)

Gene: RYR1 (ryanodine receptor 1; plus strand). Cytogenetic location: 19q13.2.
Variant type: single nucleotide variant.
Coding change: c.14469G>A on transcript NM_000540.3 (MANE Select); coding-DNA position 14469, G replaced by A.
Protein change: p.Thr4823=; no amino-acid change (threonine 4823 retained).
Molecular consequence: synonymous variant.
Genome position (GRCh38, 1-based): chr19:38,580,086, G>A. VCF-style: chr19-38580086-G-A. GRCh37 (hg19) VCF-style: chr19-39070726-G-A.
Other names: c.14454G>A, p.Thr4818= (NM_001042723.2).
Identifiers: ClinVar variation 700195 (VCV000700195.15), dbSNP rs371955808, ClinGen allele CA061310.
Genomic context (GRCh38, chr19:38,580,086, plus strand): 5'-ACACTACAACAACTTCTTCTTTGCTGCCCATCTCCTGGACATCGCCATGGGGGTCAAGAC[G>A]CTGCGCACCATCCTGTCCTCTGTCACCCACAATGGGAAACAGGTGTGGGGAGGACCTGGC-3'
Protein context (NP_000531.2, residues 4813-4833): HLLDIAMGVK[Thr4823=]LRTILSSVTH